The following is an entry in ClinVar:

NM_001040108.2(MLH3):c.2563dup (p.Glu855fs)

Gene: MLH3 (mutL homolog 3; minus strand). Cytogenetic location: 14q24.3.
Variant type: Duplication.
Coding change: c.2563dup on transcript NM_001040108.2 (MANE Select); coding-DNA position 2563, one base duplicated (G; older notation c.2563dupG).
Protein change: p.Glu855fs; shifts the reading frame from glutamic acid 855.
Molecular consequence: frameshift variant.
Genome position (GRCh38, 1-based): chr14:75,047,093, C duplicated on the plus strand (G on the coding strand, the reverse complement: MLH3 is on the minus strand); the first of 2 consecutive C bases (chr14:75,047,093-75,047,094); duplicating either gives the same sequence. VCF-style (leftmost placement, unchanged base first): chr14-75047092-T-TC. GRCh37 (hg19) VCF-style: chr14-75513795-T-TC.
Other names: c.2563dup, p.Glu855fs (NM_014381.3); c.2563dupG (NM_001040108.1); short protein forms E855fs.
Identifiers: ClinVar variation 1793141 (VCV001793141.3), dbSNP rs2503266831, ClinGen allele CA2580088769.

ClinVar aggregate classification (germline): Pathogenic (1 of 4 stars; one submission).

Submission:

Ambry Genetics
Classification: Pathogenic. Last evaluated: 2026-05-28. Review status: criteria provided, single submitter. Criteria: Ambry Variant Classification Scheme 2023. Collection method: clinical testing. Allele origin: germline.
Comment: The c.2563dupG pathogenic mutation, located in coding exon 1 of the MLH3 gene, results from a duplication of G at nucleotide position 2563, causing a translational frameshift with a predicted alternate stop codon (p.E855Gfs*6). This variant is considered to be rare based on population cohorts in the Genome Aggregation Database (gnomAD). This alteration is expected to result in loss of function by premature protein truncation or nonsense-mediated mRNA decay. As such, this alteration is interpreted as a disease-causing mutation.